The following is an entry in ClinVar:

ClinVar aggregate classification (germline): Likely benign (0 of 4 stars; one submission).

Conditions:
UNC79-related disorder. Also called: UNC79-related condition.

gnomAD v4.1: 111 of 1,613,980 alleles (0.0069%); highest among the groups gnomAD compares: African/African-American, 0.1%; no homozygotes.

Submission:

PreventionGenetics, part of Exact Sciences
Classification: Likely benign for UNC79-related condition. Last evaluated: 2024-06-26. Review status: no assertion criteria provided. Collection method: clinical testing. Allele origin: germline.
Comment: This variant is classified as likely benign based on ACMG/AMP sequence variant interpretation guidelines (Richards et al. 2015 PMID: 25741868, with internal and published modifications).

NM_001395159.1(UNC79):c.6591C>T (p.Ile2197=)

Gene: UNC79 (unc-79 homolog, NALCN channel complex subunit; plus strand). Cytogenetic location: 14q32.12.
Variant type: single nucleotide variant.
Coding change: c.6591C>T on transcript NM_001395159.1 (MANE Select); coding-DNA position 6591, C replaced by T.
Protein change: p.Ile2197=; no amino-acid change (isoleucine 2197 retained).
Molecular consequence: synonymous variant.
Genome position (GRCh38, 1-based): chr14:93,654,001, C>T. VCF-style: chr14-93654001-C-T. GRCh37 (hg19) VCF-style: chr14-94120347-C-T.
Other names: c.6525C>T, p.Ile2175= (NM_001346218.2); c.5844C>T, p.Ile1948= (NM_020818.5).
Identifiers: ClinVar variation 3352515 (VCV003352515.1).